The following is an entry in ClinVar:

ClinVar aggregate classification (germline): Likely benign (1 of 4 stars; one submission).

gnomAD v4.1: 8 of 1,613,688 alleles (0.0005%); highest among the groups gnomAD compares: South Asian, 0.0022%; no homozygotes.

Submission:

CeGaT Center for Human Genetics Tuebingen
Classification: Likely benign. Last evaluated: 2023-01-01. Review status: criteria provided, single submitter. Criteria: CeGaT Center For Human Genetics Tuebingen Variant Classification Criteria Version 2. Collection method: clinical testing. Allele origin: germline. Affected: yes. Observed: 1 variant allele.
Comment: MRPL38: BP4, BP7

NM_032478.4(MRPL38):c.588C>T (p.Thr196=)

Gene: MRPL38 (mitochondrial ribosomal protein L38; minus strand). Cytogenetic location: 17q25.1.
Variant type: single nucleotide variant.
Coding change: c.588C>T on transcript NM_032478.4 (MANE Select); coding-DNA position 588, C replaced by T.
Protein change: p.Thr196=; no amino-acid change (threonine 196 retained).
Molecular consequence: synonymous variant.
Genome position (GRCh38, 1-based): chr17:75,901,715, G>A on the plus strand (C>T on the coding strand, the complement: MRPL38 is on the minus strand). VCF-style: chr17-75901715-G-A. GRCh37 (hg19) VCF-style: chr17-73897796-G-A.
Identifiers: ClinVar variation 2648284 (VCV002648284.24), dbSNP rs778507758, ClinGen allele CA8775228.